The following is an entry in ClinVar:

ClinVar aggregate classification (germline): Uncertain significance (1 of 4 stars; one submission).

Submission:

Ambry Genetics
Classification: Uncertain significance. Last evaluated: 2025-05-29. Review status: criteria provided, single submitter. Criteria: Ambry Variant Classification Scheme 2023. Collection method: clinical testing. Allele origin: germline.
Comment: The p.T1027A variant (also known as c.3079A>G), located in coding exon 1 of the TET2 gene, results from an A to G substitution at nucleotide position 3079. The threonine at codon 1027 is replaced by alanine, an amino acid with similar properties. This amino acid position is conserved. In addition, this alteration is predicted to be tolerated by in silico analysis. Based on the available evidence, the clinical significance of this variant remains unclear.

NM_001127208.3(TET2):c.3079A>G (p.Thr1027Ala)

Genes: TET2 (tet methylcytosine dioxygenase 2; plus strand), TET2-AS1 (TET2 antisense RNA 1; minus strand). Cytogenetic location: 4q24.
Variant type: single nucleotide variant.
Coding change: c.3079A>G on transcript NM_001127208.3 (MANE Select); coding-DNA position 3079, A replaced by G.
Protein change: p.Thr1027Ala; replaces threonine 1027 with alanine.
Molecular consequence: missense variant.
Genome position (GRCh38, 1-based): chr4:105,237,021, A>G. VCF-style: chr4-105237021-A-G. GRCh37 (hg19) VCF-style: chr4-106158178-A-G.
Other names: c.3079A>G, p.Thr1027Ala (NM_017628.4); short protein forms T1027A.
Identifiers: ClinVar variation 3967676 (VCV003967676.1).